The following is an entry in ClinVar:

ClinVar aggregate classification (germline): Likely pathogenic (1 of 4 stars; one submission).

Conditions:
Oculodentodigital dysplasia, autosomal recessive. Also called: OCULODENTOOSSEOUS DYSPLASIA, AUTOSOMAL RECESSIVE; ODDD, AUTOSOMAL RECESSIVE; ODOD, AUTOSOMAL RECESSIVE. Identifiers: Orphanet 2710, MedGen C2749477, MONDO:0009768, OMIM 257850.

Submission:

Labcorp Genetics (formerly Invitae), Labcorp
Classification: Likely pathogenic for Oculodentodigital dysplasia, autosomal recessive. Last evaluated: 2024-12-16. Review status: criteria provided, single submitter. Criteria: Invitae Variant Classification Sherloc (09022015). Collection method: clinical testing. Allele origin: germline.
Comment: This sequence change replaces proline, which is neutral and non-polar, with alanine, which is neutral and non-polar, at codon 193 of the GJA1 protein (p.Pro193Ala). This variant is not present in population databases (gnomAD no frequency). This missense change has been observed in individual(s) with clinical features of autosomal recessive oculodentodigital dysplasia (internal data). In at least one individual the data is consistent with being in trans (on the opposite chromosome) from a pathogenic variant. ClinVar contains an entry for this variant (Variation ID: 941061). Invitae Evidence Modeling of protein sequence and biophysical properties (such as structural, functional, and spatial information, amino acid conservation, physicochemical variation, residue mobility, and thermodynamic stability) indicates that this missense variant is expected to disrupt GJA1 protein function with a positive predictive value of 95%. In summary, the currently available evidence indicates that the variant is pathogenic, but additional data are needed to prove that conclusively. Therefore, this variant has been classified as Likely Pathogenic.

NM_000165.5(GJA1):c.577C>G (p.Pro193Ala)

Gene: GJA1 (gap junction protein alpha 1; plus strand). Cytogenetic location: 6q22.31.
Variant type: single nucleotide variant.
Coding change: c.577C>G on transcript NM_000165.5 (MANE Select); coding-DNA position 577, C replaced by G.
Protein change: p.Pro193Ala; replaces proline 193 with alanine.
Molecular consequence: missense variant.
Genome position (GRCh38, 1-based): chr6:121,447,424, C>G. VCF-style: chr6-121447424-C-G. GRCh37 (hg19) VCF-style: chr6-121768570-C-G.
Other names: short protein forms P193A.
Identifiers: ClinVar variation 941061 (VCV000941061.9), dbSNP rs1773907180, ClinGen allele CA365559326.